The following is an entry in ClinVar:

NM_001134363.3(RBM20):c.1937G>A (p.Arg646Lys)

Gene: RBM20 (RNA binding motif protein 20; plus strand). Cytogenetic location: 10q25.2.
Variant type: single nucleotide variant.
Coding change: c.1937G>A on transcript NM_001134363.3 (MANE Select); coding-DNA position 1937, G replaced by A.
Protein change: p.Arg646Lys; replaces arginine 646 with lysine.
Molecular consequence: missense variant.
Genome position (GRCh38, 1-based): chr10:110,812,334, G>A. VCF-style: chr10-110812334-G-A. GRCh37 (hg19) VCF-style: chr10-112572092-G-A.
Other names: short protein forms R646K.
Identifiers: ClinVar variation 4614825 (VCV004614825.1).

ClinVar aggregate classification (germline): Uncertain significance (1 of 4 stars; one submission).

Conditions:
Cardiovascular phenotype. Identifiers: MedGen CN230736.

gnomAD v4.1: 1 of 1,551,484 alleles (0.000064%); highest among the groups gnomAD compares: Non-Finnish European, 0.000087%; no homozygotes.

Submission:

Ambry Genetics
Classification: Uncertain significance for Cardiovascular phenotype. Last evaluated: 2025-10-05. Review status: criteria provided, single submitter. Criteria: Ambry Variant Classification Scheme 2023. Collection method: clinical testing. Allele origin: germline.
Comment: The p.R646K variant (also known as c.1937G>A), located in coding exon 9 of the RBM20 gene, results from a G to A substitution at nucleotide position 1937. The arginine at codon 646 is replaced by lysine, an amino acid with highly similar properties. This amino acid position is conserved. In addition, the in silico prediction for this alteration is inconclusive. Based on the available evidence, the clinical significance of this variant remains unclear.